The following is an entry in ClinVar:

ClinVar aggregate classification (germline): Uncertain significance. Review status: criteria provided, multiple submitters, no conflicts (2 of 4 stars). 2 submissions from 2 submitters: Uncertain significance (2). Last evaluated 2023-08-11.

Conditions:
Baller-Gerold syndrome (BGS). Also called: CRANIOSYNOSTOSIS WITH RADIAL DEFECTS. Identifiers: Orphanet 1225, MedGen C0265308, MONDO:0009039, OMIM 218600.
Rothmund-Thomson syndrome type 2 (RTS2). Identifiers: Orphanet 221016, MedGen C5203410, MONDO:0016369, OMIM 268400.

Allele frequency attached by ClinVar (database versions not stated): gnomAD exomes below 0.00001; gnomAD 0.00001; TOPMed 0.00001.

Submissions (2):

Labcorp Genetics (formerly Invitae), Labcorp
Classification: Uncertain significance for Baller-Gerold syndrome. Last evaluated: 2023-08-11. Review status: criteria provided, single submitter. Criteria: Invitae Variant Classification Sherloc (09022015). Collection method: clinical testing. Allele origin: germline.
Comment: This sequence change replaces glycine, which is neutral and non-polar, with aspartic acid, which is acidic and polar, at codon 1166 of the RECQL4 protein (p.Gly1166Asp). This variant is present in population databases (no rsID available, gnomAD 0.01%). This variant has not been reported in the literature in individuals affected with RECQL4-related conditions. ClinVar contains an entry for this variant (Variation ID: 1341332). Advanced modeling of protein sequence and biophysical properties (such as structural, functional, and spatial information, amino acid conservation, physicochemical variation, residue mobility, and thermodynamic stability) performed at Invitae indicates that this missense variant is expected to disrupt RECQL4 protein function. In summary, the available evidence is currently insufficient to determine the role of this variant in disease. Therefore, it has been classified as a Variant of Uncertain Significance.

Baylor Genetics
Classification: Uncertain significance for Rothmund-Thomson syndrome type 2. Last evaluated: 2022-01-12. Review status: criteria provided, single submitter. Criteria: ACMG Guidelines, 2015. Collection method: clinical testing. Allele origin: unknown. Affected: yes. Study: CSER-TexasKidsCanSeq.
Comment: This variant was determined to be of uncertain significance according to ACMG Guidelines, 2015 [PMID:25741868].

NM_004260.4(RECQL4):c.3497G>A (p.Gly1166Asp)

Gene: RECQL4 (RecQ like helicase 4; minus strand). Cytogenetic location: 8q24.3.
Variant type: single nucleotide variant.
Coding change: c.3497G>A on transcript NM_004260.4 (MANE Select); coding-DNA position 3497, G replaced by A.
Protein change: p.Gly1166Asp; replaces glycine 1166 with aspartic acid.
Molecular consequence: missense variant.
Genome position (GRCh38, 1-based): chr8:144,511,686, C>T on the plus strand (G>A on the coding strand, the complement: RECQL4 is on the minus strand). VCF-style: chr8-144511686-C-T. GRCh37 (hg19) VCF-style: chr8-145737069-C-T.
Other names: short protein forms G1166D.
Identifiers: ClinVar variation 1341332 (VCV001341332.4), dbSNP rs1416975304, ClinGen allele CA372666431.
Genomic context (GRCh38, chr8:144,511,686, plus strand): 5'-ACCTGCCCCAGCCCCCAGCCCCAGCCTGCAGCGGGTGGGGCCTCCCAGGCCTCACCGATG[C>T]CGTGGAAGATGCGGGCCACAGCCCTGCTGGAGAACTTCTCCTCTGGCCTCAGGGACAGGA-3'
Protein context (NP_004251.4, residues 1156-1176): SSRAVARIFH[Gly1166Asp]IGSPCYPAQV